The following is an entry in ClinVar:

ClinVar aggregate classification (germline): Benign (1 of 4 stars; one submission).

Submission:

Mayo Clinic Laboratories, Mayo Clinic
Classification: Benign. Last evaluated: 2024-10-09. Review status: criteria provided, single submitter. Criteria: ACMG Guidelines, 2015. Collection method: clinical testing. Allele origin: germline. Observed: 5 variant alleles.
Comment: BA1, BP4, BP7

NM_000642.3(AGL):c.3588+43_3588+44dup

Gene: AGL (amylo-alpha-1,6-glucosidase and 4-alpha-glucanotransferase; plus strand). Cytogenetic location: 1p21.2.
Variant type: Duplication.
Coding change: c.3588+43_3588+44dup on transcript NM_000642.3 (MANE Select); bases 43 to 44 of the intron after coding-DNA position 3588, 2 bases duplicated (TT; older notation c.3588+43_3588+44dupTT).
Molecular consequence: intron variant.
Genome position (GRCh38, 1-based): chr1:99,900,904-99,900,905, TT duplicated; duplicating any 2 consecutive bases within chr1:99,900,891-99,900,905 gives the same sequence; the c. name uses the placement nearest the transcript's 3' end. VCF-style (leftmost placement, unchanged base first): chr1-99900890-G-GTT. GRCh37 (hg19) VCF-style: chr1-100366446-G-GTT.
Other names: p.?; c.3588+43_3588+44dup (NM_000643.3, NM_000644.3, NM_001425325.1 and 1 more transcripts); c.3540+43_3540+44dup (NM_000646.3); c.3567+43_3567+44dup (NM_001425326.1); c.3387+43_3387+44dup (NM_001425327.1); c.3384+43_3384+44dup (NM_001425328.1); c.3249+43_3249+44dup (NM_001425329.1); c.3210+43_3210+44dup (NM_001425332.1).
Identifiers: ClinVar variation 4683325 (VCV004683325.1).